The following is an entry in ClinVar:

ClinVar aggregate classification (germline): Uncertain significance (1 of 4 stars; one submission).

Conditions:
Cardiovascular phenotype. Identifiers: MedGen CN230736.

Submission:

Ambry Genetics
Classification: Uncertain significance for Cardiovascular phenotype. Last evaluated: 2018-10-18. Review status: criteria provided, single submitter. Criteria: Ambry Variant Classification Scheme 2023. Collection method: clinical testing. Allele origin: germline.
Comment: The p.L294* variant (also known as c.881T>A), located in coding exon 10 of the TRDN gene, results from a T to A substitution at nucleotide position 881. This changes the amino acid from a leucine to a stop codon within coding exon 10. This alteration is expected to result in loss of function by premature protein truncation or nonsense-mediated mRNA decay. However, this alteration does not impact the predominant cardiac isoform of TRDN (NM_001256021.1; Kobayashi YM et al. J. Biol. Chem., 1999 Oct;274:28660-8). Since supporting evidence is limited at this time, the clinical significance of this alteration remains unclear.

NM_006073.4(TRDN):c.881T>A (p.Leu294Ter)

Genes: TRDN (triadin; minus strand), TRDN-AS1 (TRDN antisense RNA 1; plus strand). Cytogenetic location: 6q22.31.
Variant type: single nucleotide variant.
Coding change: c.881T>A on transcript NM_006073.4 (MANE Select); coding-DNA position 881, T replaced by A.
Protein change: p.Leu294Ter; replaces leucine 294 with a stop codon.
Molecular consequence: nonsense.
Genome position (GRCh38, 1-based): chr6:123,464,956, A>T on the plus strand (T>A on the coding strand, the complement: TRDN is on the minus strand). VCF-style: chr6-123464956-A-T. GRCh37 (hg19) VCF-style: chr6-123786101-A-T.
Other names: c.881T>A, p.Leu294Ter (NM_001251987.2); c.821T>A, p.Leu274Ter (NM_001256020.2, NM_001407315.1); short protein forms L274*, L294*.
Identifiers: ClinVar variation 1764778 (VCV001764778.2), dbSNP rs2534151833, ClinGen allele CA365566957.